The following is an entry in ClinVar:

ClinVar aggregate classification (germline): Uncertain significance. Review status: criteria provided, multiple submitters, no conflicts (2 of 4 stars). 8 submissions from 8 submitters: Uncertain significance (7). 1 of the submissions does not count toward it. Last evaluated 2025-07-21.

Conditions:
Familial cancer of breast. Also called: BREAST CANCER, FAMILIAL; hereditary breast carcinoma; Hereditary breast cancer. Identifiers: Orphanet 227535, MedGen C0346153, MONDO:0016419, OMIM 114480. Disease mechanism: loss of function.
Fanconi anemia complementation group J. Also called: BRIP1-Related Fanconi Anemia. Identifiers: Orphanet 84, MedGen C1836860, MONDO:0012187, OMIM 609054.
Hereditary cancer-predisposing syndrome. Also called: Neoplastic Syndromes, Hereditary; Hereditary neoplastic syndrome; Tumor predisposition; Hereditary Cancer Syndrome. Identifiers: Orphanet 140162, MedGen C0027672, MeSH D009386, MONDO:0015356.
Malignant tumor of breast. Also called: Malignant breast neoplasm; Cancer breast. Identifiers: MedGen C0006142, MONDO:0007254. Disease mechanism: loss of function.

Allele frequency attached by ClinVar (database versions not stated): gnomAD exomes below 0.00001.
gnomAD v4.1: 2 of 1,614,096 alleles (0.00012%); highest among the groups gnomAD compares: Non-Finnish European, 0.000085%; no homozygotes.

Submissions (8):

GeneDx
Classification: Uncertain significance. Last evaluated: 2025-07-21. Review status: criteria provided, single submitter. Criteria: GeneDx Variant Classification Process June 2021. Collection method: clinical testing. Allele origin: germline. Affected: yes.
Comment: In silico analysis suggests that this missense variant does not alter protein structure/function; Not observed at significant frequency in large population cohorts (gnomAD); This variant is associated with the following publications: (PMID: 32885271, 31159747, 26315354, 11301010)

Revvity Omics, Revvity
Classification: Uncertain significance for Fanconi anemia complementation group J. Last evaluated: 2025-03-27. Review status: criteria provided, single submitter. Criteria: ACMG Guidelines, 2015. Collection method: clinical testing. Allele origin: germline.

Center for Genomic Medicine, Rigshospitalet, Copenhagen University Hospital
Classification: Uncertain significance. Last evaluated: 2025-03-04. Review status: criteria provided, single submitter. Criteria: ACMG Guidelines, 2015. Collection method: clinical testing. Allele origin: germline.

Labcorp Genetics (formerly Invitae), Labcorp
Classification: Uncertain significance for Familial cancer of breast; Fanconi anemia complementation group J. Last evaluated: 2024-12-09. Review status: criteria provided, single submitter. Criteria: Invitae Variant Classification Sherloc (09022015). Collection method: clinical testing. Allele origin: germline.
Comment: This sequence change replaces serine, which is neutral and polar, with tyrosine, which is neutral and polar, at codon 1007 of the BRIP1 protein (p.Ser1007Tyr). This variant is not present in population databases (gnomAD no frequency). This missense change has been observed in individual(s) with personal or family history of breast and/or ovarian cancer (PMID: 31159747). ClinVar contains an entry for this variant (Variation ID: 324349). Invitae Evidence Modeling of protein sequence and biophysical properties (such as structural, functional, and spatial information, amino acid conservation, physicochemical variation, residue mobility, and thermodynamic stability) has been performed for this missense variant. However, the output from this modeling did not meet the statistical confidence thresholds required to predict the impact of this variant on BRIP1 protein function. In summary, the available evidence is currently insufficient to determine the role of this variant in disease. Therefore, it has been classified as a Variant of Uncertain Significance.

Ambry Genetics
Classification: Uncertain significance for Hereditary cancer-predisposing syndrome. Last evaluated: 2024-06-21. Review status: criteria provided, single submitter. Criteria: Ambry Variant Classification Scheme 2023. Collection method: clinical testing. Allele origin: germline.
Comment: The p.S1007Y variant (also known as c.3020C>A), located in coding exon 19 of the BRIP1 gene, results from a C to A substitution at nucleotide position 3020. The serine at codon 1007 is replaced by tyrosine, an amino acid with dissimilar properties. This alteration has been reported in both the heterozygous and homozygous state amongst cohorts of ovarian and/or breast cancer cases ( of 3236 invasive epithelial ovarian cancer cases numerous individuals from breast and/or ovarian cancer cohorts (Ramus SJ et al. J Natl Cancer Inst, 2015 Nov;107:; Lerner-Ellis J et al. J Cancer Res Clin Oncol, 2021 Mar;147:871-879). Additionally, this alteration was reported in 1/1197 individuals from Greece, Romania, and Turkey undergoing evaluation for inherited cancer predisposition (Tsaousis GN et al. BMC Cancer, 2019 Jun;19:535). This amino acid position is well conserved in available vertebrate species. In addition, this alteration is predicted to be tolerated by in silico analysis. Based on the available evidence, the clinical significance of this variant remains unclear.

GeneKor MSA
Classification: Uncertain significance for Hereditary cancer-predisposing syndrome. Last evaluated: 2018-08-01. Review status: criteria provided, single submitter. Criteria: ACMG Guidelines, 2015. Collection method: clinical testing. Allele origin: germline. Affected: no.

Illumina Laboratory Services, Illumina
Classification: Uncertain significance for Fanconi anemia complementation group J. Last evaluated: 2018-01-13. Review status: criteria provided, single submitter. Criteria: ICSL Variant Classification Criteria 13 December 2019. Collection method: clinical testing. Allele origin: germline.

Department of Pathology and Laboratory Medicine, Sinai Health System
Classification: Uncertain significance for Malignant tumor of breast. Review status: no assertion criteria provided. Collection method: clinical testing. Allele origin: unknown. Affected: yes. Study: The Canadian Open Genetics Repository (COGR). Not counted in ClinVar's aggregate classification.
Comment: The BRIP1 p.Ser1007Tyr variant was not identified in the literature nor was it identified in the MutDB or Zhejiang University databases. The variant was identified in dbSNP (ID: rs886053214) as "With Uncertain significance allele", ClinVar (classified as uncertain significance by two submitters), and in Cosmic (1x in large intestine tissue). The variant was not identified in the Exome Aggregation Consortium (August 8th 2016), or the Genome Aggregation Database (Feb 27, 2017). The p.Ser1007 residue is conserved in mammals but not in more distantly related organisms however four out of five computational analyses (PolyPhen-2, SIFT, AlignGVGD, BLOSUM, MutationTaster) do not suggest a high likelihood of impact to the protein; this information is not predictive enough to rule out pathogenicity. The variant occurs outside of the splicing consensus sequence and 1 of 4 in silico or computational prediction software programs (SpliceSiteFinder, MaxEntScan, NNSPLICE, GeneSplicer) predict a greater than 10% difference in splicing; this is not very predictive of pathogenicity. In summary, based on the above information the clinical significance of this variant cannot be determined with certainty at this time. This variant is classified as a variant of uncertain significance.

Literature cited by the submitters: PubMed 31159747 (cited by 3 submitters); PubMed 26315354 (cited by Ambry Genetics); PubMed 32885271 (cited by Ambry Genetics).

NM_032043.3(BRIP1):c.3020C>A (p.Ser1007Tyr)

Gene: BRIP1 (BRCA1 interacting DNA helicase 1; minus strand). Cytogenetic location: 17q23.2.
Variant type: single nucleotide variant.
Coding change: c.3020C>A on transcript NM_032043.3 (MANE Select); coding-DNA position 3020, C replaced by A.
Protein change: p.Ser1007Tyr; replaces serine 1007 with tyrosine.
Molecular consequence: missense variant.
Genome position (GRCh38, 1-based): chr17:61,684,026, G>T on the plus strand (C>A on the coding strand, the complement: BRIP1 is on the minus strand). VCF-style: chr17-61684026-G-T. GRCh37 (hg19) VCF-style: chr17-59761387-G-T.
Other names: short protein forms S1007Y.
Identifiers: ClinVar variation 324349 (VCV000324349.33), dbSNP rs886053214, ClinGen allele CA10646342.
Genomic context (GRCh38, chr17:61,684,026, plus strand): 5'-TCTGATGACCCGAGCTCAGGTGTTGCCTTCGGTATTTTACCAGTAAAATACTGTCCCAAA[G>T]AATTAAAGCTTGACCAGCTAACTCTCTTTGTTTGTTTGTTGAAAGTTGGGCTTGTGGATC-3'
Protein context (NP_114432.2, residues 997-1017): TKRVSWSSFN[Ser1007Tyr]LGQYFTGKIP